The following is an entry in ClinVar:

NM_000359.3(TGM1):c.566del (p.Gly189fs)

Gene: TGM1 (transglutaminase 1; minus strand). Cytogenetic location: 14q12.
Variant type: Deletion.
Coding change: c.566del on transcript NM_000359.3 (MANE Select); coding-DNA position 566, one base deleted (G; older notation c.566delG).
Protein change: p.Gly189fs; shifts the reading frame from glycine 189.
Molecular consequence: frameshift variant.
Genome position (GRCh38, 1-based): chr14:24,260,641, C deleted on the plus strand (G on the coding strand, the reverse complement: TGM1 is on the minus strand); the first of 6 consecutive C bases (chr14:24,260,641-24,260,646); deleting any one gives the same sequence. VCF-style (leftmost placement, unchanged base first): chr14-24260640-GC-G. GRCh37 (hg19) VCF-style: chr14-24729846-GC-G.
Other names: short protein forms G189fs.
Identifiers: ClinVar variation 2914902 (VCV002914902.3), dbSNP rs1211601030, ClinGen allele CA613320796.

ClinVar aggregate classification (germline): Pathogenic (1 of 4 stars; one submission).

Submission:

Labcorp Genetics (formerly Invitae), Labcorp
Classification: Pathogenic. Last evaluated: 2024-01-04. Review status: criteria provided, single submitter. Criteria: Invitae Variant Classification Sherloc (09022015). Collection method: clinical testing. Allele origin: germline.
Comment: This sequence change creates a premature translational stop signal (p.Gly189Alafs*17) in the TGM1 gene. It is expected to result in an absent or disrupted protein product. Loss-of-function variants in TGM1 are known to be pathogenic (PMID: 18948357, 19241467). This variant is present in population databases (no rsID available, gnomAD 0.0009%). This variant has not been reported in the literature in individuals affected with TGM1-related conditions. For these reasons, this variant has been classified as Pathogenic.

Literature cited by the submitters: PubMed 18948357; PubMed 19241467.